The following is an entry in ClinVar:

ClinVar aggregate classification (germline): Pathogenic. Review status: reviewed by expert panel (3 of 4 stars). 4 submissions from 4 submitters: Pathogenic (1). 3 of the submissions do not count toward it. Last evaluated 2017-12-15.

Conditions:
Hereditary cancer-predisposing syndrome. Also called: Hereditary neoplastic syndrome; Hereditary Cancer Syndrome; Neoplastic Syndromes, Hereditary; Tumor predisposition. Identifiers: Orphanet 140162, MedGen C0027672, MeSH D009386, MONDO:0015356.
Breast-ovarian cancer, familial, susceptibility to, 2 (BROVCA2). Also called: BRCA2 Hereditary Breast and Ovarian Cancer. Identifiers: Orphanet 145, MedGen C2675520, MONDO:0012933, OMIM 612555. Disease mechanism: loss of function.
Hereditary breast ovarian cancer syndrome. Also called: Hereditary breast and ovarian cancer syndrome; BRCA1- and BRCA2-Associated Hereditary Breast and Ovarian Cancer; Hereditary breast and/or ovarian cancer syndrome; Hereditary breast and ovarian cancer; Breast and ovarian cancer; Hereditary breast and ovarian cancer syndrome (HBOC). Identifiers: Orphanet 145, MedGen C0677776, MeSH D061325, MONDO:0003582. Disease mechanism: loss of function.

Submissions (4):

Evidence-based Network for the Interpretation of Germline Mutant Alleles (ENIGMA)
Classification: Pathogenic for Breast-ovarian cancer, familial, susceptibility to, 2. Last evaluated: 2017-12-15. Review status: reviewed by expert panel. Criteria: ENIGMA BRCA1/2 Classification Criteria (2017-06-29). Collection method: curation. Allele origin: germline. Study: ENIGMA.
Comment: Variant allele predicted to encode a truncated non-functional protein.

Labcorp Genetics (formerly Invitae), Labcorp
Classification: Pathogenic for Hereditary breast ovarian cancer syndrome. Last evaluated: 2025-05-19. Review status: criteria provided, single submitter. Criteria: Invitae Variant Classification Sherloc (09022015). Collection method: clinical testing. Allele origin: germline. Not counted in ClinVar's aggregate classification.
Comment: This sequence change creates a premature translational stop signal (p.Ser2667Alafs*6) in the BRCA2 gene. It is expected to result in an absent or disrupted protein product. Loss-of-function variants in BRCA2 are known to be pathogenic (PMID: 20104584). This variant is not present in population databases (gnomAD no frequency). This premature translational stop signal has been observed in individual(s) with hereditary breast and/or ovarian cancer (PMID: 28724667, 29487695). ClinVar contains an entry for this variant (Variation ID: 422131). For these reasons, this variant has been classified as Pathogenic.

Ambry Genetics
Classification: Pathogenic for Hereditary cancer-predisposing syndrome. Last evaluated: 2022-09-13. Review status: criteria provided, single submitter. Criteria: Ambry Variant Classification Scheme 2023. Collection method: clinical testing. Allele origin: germline. Not counted in ClinVar's aggregate classification.
Comment: The c.7999delA pathogenic mutation, located in coding exon 17 of the BRCA2 gene, results from a deletion of one nucleotide at nucleotide position 7999, causing a translational frameshift with a predicted alternate stop codon (p.S2667Afs*6). This alteration was detected in a cohort of 8085 consecutive unselected Chinese breast cancer patients who underwent multi-gene panel testing (Sun J et al. Clin. Cancer Res. 2017 Oct;23:6113-6119). In addition to the clinical data presented in the literature, this alteration is expected to result in loss of function by premature protein truncation or nonsense-mediated mRNA decay. As such, this alteration is interpreted as a disease-causing mutation.

GeneDx
Classification: Pathogenic. Last evaluated: 2016-08-28. Review status: criteria provided, single submitter. Criteria: GeneDx Variant Classification (06012015). Collection method: clinical testing. Allele origin: germline. Affected: yes. Not counted in ClinVar's aggregate classification.
Comment: This deletion of one nucleotide in BRCA2 is denoted c.7999delA at the cDNA level and p.Ser2667AlafsX6 (S2667AfsX6) at the protein level. The normal sequence, with the base that is deleted in braces, is TAGA[A]GCAG. The deletion causes a frameshift which changes a Serine to an Alanine at codon 2667, and creates a premature stop codon at position 6 of the new reading frame. Although this variant has not, to our knowledge, been reported in the literature, it is predicted to cause loss of normal protein function through either protein truncation or nonsense-mediated mRNA decay. We consider this variant to be pathogenic.

Literature cited by the submitters: PubMed 20104584 (cited by Labcorp Genetics (formerly Invitae), Labcorp); PubMed 28724667 (cited by Labcorp Genetics (formerly Invitae), Labcorp and Ambry Genetics); PubMed 29487695 (cited by Labcorp Genetics (formerly Invitae), Labcorp and Ambry Genetics).

NM_000059.4(BRCA2):c.7999del (p.Ser2667fs)

Gene: BRCA2 (BRCA2 DNA repair associated; plus strand). Cytogenetic location: 13q13.1.
Variant type: Deletion.
Coding change: c.7999del on transcript NM_000059.4 (MANE Select); coding-DNA position 7999, one base deleted (A; older notation c.7999delA).
Protein change: p.Ser2667fs; shifts the reading frame from serine 2667.
Molecular consequence: frameshift variant.
Genome position (GRCh38, 1-based): chr13:32,363,201, A deleted; the last of 2 consecutive A bases (chr13:32,363,200-32,363,201); deleting either gives the same sequence. VCF-style (leftmost placement, unchanged base first): chr13-32363199-GA-G. GRCh37 (hg19) VCF-style: chr13-32937336-GA-G.
Other names: c.7999delA (NM_000059.3); short protein forms S2667fs.
Identifiers: ClinVar variation 422131 (VCV000422131.16), dbSNP rs1064795578, ClinGen allele CA16619775.